The following is an entry in ClinVar:

ClinVar aggregate classification (germline): Uncertain significance (1 of 4 stars; one submission).

Submission:

GeneDx
Classification: Uncertain significance. Last evaluated: 2026-03-02. Review status: criteria provided, single submitter. Criteria: GeneDx Variant Classification Process June 2021. Collection method: clinical testing. Allele origin: germline.
Comment: Not observed at significant frequency in large population cohorts (gnomAD); Initiation codon variant predicted to alter the protein; however, a downstream in-frame Methionine residue could serve as an alternate initiator codon; Has not been previously published as pathogenic or benign to our knowledge

NM_145690.3(YWHAZ):c.1A>G (p.Met1Val)

Gene: YWHAZ (tyrosine 3-monooxygenase/tryptophan 5-monooxygenase activation protein zeta; minus strand). Cytogenetic location: 8q22.3.
Variant type: single nucleotide variant.
Coding change: c.1A>G on transcript NM_145690.3 (MANE Select); coding-DNA position 1, A replaced by G.
Protein change: p.Met1Val; changes the start codon (methionine 1).
Molecular consequence: missense variant, initiator codon variant.
Genome position (GRCh38, 1-based): chr8:100,948,889, T>C on the plus strand (A>G on the coding strand, the complement: YWHAZ is on the minus strand). VCF-style: chr8-100948889-T-C. GRCh37 (hg19) VCF-style: chr8-101961117-T-C.
Other names: c.1A>G, p.Met1Val (NM_001135699.2, NM_001135700.2, NM_001135701.2 and 2 more transcripts); short protein forms M1V.
Identifiers: ClinVar variation 5008425 (VCV005008425.1).